The following is an entry in ClinVar:

NM_022458.4(LMBR1):c.1394A>G (p.His465Arg)

Gene: LMBR1 (limb development membrane protein 1; minus strand). Cytogenetic location: 7q36.3.
Variant type: single nucleotide variant.
Coding change: c.1394A>G on transcript NM_022458.4 (MANE Select); coding-DNA position 1394, A replaced by G.
Protein change: p.His465Arg; replaces histidine 465 with arginine.
Molecular consequence: missense variant. On other transcripts: non-coding transcript variant (2).
Genome position (GRCh38, 1-based): chr7:156,684,157, T>C on the plus strand (A>G on the coding strand, the complement: LMBR1 is on the minus strand). VCF-style: chr7-156684157-T-C. GRCh37 (hg19) VCF-style: chr7-156476851-T-C.
Other names: c.1517A>G, p.His506Arg (NM_001350953.2); c.953A>G, p.His318Arg (NM_001350954.2); c.938A>G, p.His313Arg (NM_001350955.2, NM_001350956.2, NM_001363413.2); c.863A>G, p.His288Arg (NM_001350957.2); c.776A>G, p.His259Arg (NM_001350958.2); c.1355A>G, p.His452Arg (NM_001363409.2); c.1232A>G, p.His411Arg (NM_001363410.2); c.1025A>G, p.His342Arg (NM_001363411.2); and 1 more; short protein forms H259R, H452R, H390R, H313R, H342R, H288R, H318R, H411R.
Identifiers: ClinVar variation 4760898 (VCV004760898.1).

ClinVar aggregate classification (germline): Uncertain significance (1 of 4 stars; one submission).

gnomAD v4.1: 4 of 1,613,562 alleles (0.00025%); highest among the groups gnomAD compares: Non-Finnish European, 0.00034%; no homozygotes.

Submission:

Labcorp Genetics (formerly Invitae), Labcorp
Classification: Uncertain significance. Last evaluated: 2025-03-27. Review status: criteria provided, single submitter. Criteria: Invitae Variant Classification Sherloc (09022015). Collection method: clinical testing. Allele origin: germline.
Comment: This sequence change replaces histidine, which is basic and polar, with arginine, which is basic and polar, at codon 465 of the LMBR1 protein (p.His465Arg). This variant is present in population databases (rs773251383, gnomAD 0.0009%). This variant has not been reported in the literature in individuals affected with LMBR1-related conditions. Invitae Evidence Modeling of protein sequence and biophysical properties (such as structural, functional, and spatial information, amino acid conservation, physicochemical variation, residue mobility, and thermodynamic stability) indicates that this missense variant is not expected to disrupt LMBR1 protein function with a negative predictive value of 80%. In summary, the available evidence is currently insufficient to determine the role of this variant in disease. Therefore, it has been classified as a Variant of Uncertain Significance.